The following is an entry in ClinVar:

ClinVar aggregate classification (germline): Uncertain significance (1 of 4 stars; one submission).

Conditions:
Hepatic veno-occlusive disease-immunodeficiency syndrome. Also called: Hepatic Veno-Occlusive Disease with Immunodeficiency. Identifiers: Orphanet 79124, MedGen C1856128, MONDO:0009338, OMIM 235550. Disease mechanism: loss of function.

Allele frequency attached by ClinVar (database versions not stated): gnomAD exomes below 0.00001; gnomAD 0.00001.

Submission:

Labcorp Genetics (formerly Invitae), Labcorp
Classification: Uncertain significance for Hepatic veno-occlusive disease-immunodeficiency syndrome. Last evaluated: 2019-10-31. Review status: criteria provided, single submitter. Criteria: Invitae Variant Classification Sherloc (09022015). Collection method: clinical testing. Allele origin: germline.
Comment: In summary, the available evidence is currently insufficient to determine the role of this variant in disease. Therefore, it has been classified as a Variant of Uncertain Significance. This variant has not been reported in the literature in individuals with SP110-related conditions. Algorithms developed to predict the effect of sequence changes on RNA splicing suggest that this variant may disrupt the consensus splice site, but this prediction has not been confirmed by published transcriptional studies. This sequence change falls in intron 15 of the SP110 gene. It does not directly change the encoded amino acid sequence of the SP110 protein. This variant is not present in population databases (ExAC no frequency).

NM_080424.4(SP110):c.1707-9A>G

Gene: SP110 (SP110 nuclear body protein; minus strand). Cytogenetic location: 2q37.1.
Variant type: single nucleotide variant.
Coding change: c.1707-9A>G on transcript NM_080424.4 (MANE Select); 9 bases into the intron before coding-DNA position 1707, A replaced by G.
Molecular consequence: intron variant.
Genome position (GRCh38, 1-based): chr2:230,172,183, T>C on the plus strand (A>G on the coding strand, the complement: SP110 is on the minus strand). VCF-style: chr2-230172183-T-C. GRCh37 (hg19) VCF-style: chr2-231036899-T-C.
Other names: c.1725-9A>G (NM_001378446.1, NM_001378445.1, NM_001378442.1 and 1 more transcripts); c.1707-9A>G (NM_004509.5, NM_001378443.1).
Identifiers: ClinVar variation 849967 (VCV000849967.9), dbSNP rs1408172912, ClinGen allele CA431537890.